The following is an entry in ClinVar:

ClinVar aggregate classification (germline): Uncertain significance. Review status: criteria provided, multiple submitters, no conflicts (2 of 4 stars). 2 submissions from 2 submitters: Uncertain significance (2). Last evaluated 2024-10-03.

Conditions:
Inborn genetic diseases. Identifiers: MedGen C0950123, MeSH D030342.

Submissions (2):

GeneDx
Classification: Uncertain significance. Last evaluated: 2024-10-03. Review status: criteria provided, single submitter. Criteria: GeneDx Variant Classification Process June 2021. Collection method: clinical testing. Allele origin: germline. Affected: yes.
Comment: Not observed at significant frequency in large population cohorts (gnomAD); In silico analysis supports that this missense variant has a deleterious effect on protein structure/function; Has not been previously published as pathogenic or benign to our knowledge

Ambry Genetics
Classification: Uncertain significance for Inborn genetic diseases. Last evaluated: 2017-10-25. Review status: criteria provided, single submitter. Criteria: Ambry Variant Classification Scheme 2023. Collection method: clinical testing. Allele origin: germline.
Comment: The p.R1149W variant (also known as c.3445C>T), located in coding exon 30 of the BRWD3 gene, results from a C to T substitution at nucleotide position 3445. The arginine at codon 1149 is replaced by tryptophan, an amino acid with dissimilar properties. This amino acid position is highly conserved in available vertebrate species. In addition, the in silico prediction for this alteration is inconclusive. Since supporting evidence is limited at this time, the clinical significance of this alteration remains unclear.

NM_153252.5(BRWD3):c.3445C>T (p.Arg1149Trp)

Gene: BRWD3 (bromodomain and WD repeat domain containing 3; minus strand). Cytogenetic location: Xq21.1.
Variant type: single nucleotide variant.
Coding change: c.3445C>T on transcript NM_153252.5 (MANE Select); coding-DNA position 3445, C replaced by T.
Protein change: p.Arg1149Trp; replaces arginine 1149 with tryptophan.
Molecular consequence: missense variant.
Genome position (GRCh38, 1-based): chrX:80,691,859, G>A on the plus strand (C>T on the coding strand, the complement: BRWD3 is on the minus strand). VCF-style: chrX-80691859-G-A. GRCh37 (hg19) VCF-style: chrX-79947358-G-A.
Other names: short protein forms R1149W.
Identifiers: ClinVar variation 1731505 (VCV001731505.3), dbSNP rs2520237015, ClinGen allele CA413617645.
Genomic context (GRCh38, chrX:80,691,859, plus strand): 5'-AAAATTTTTTCACATTCATCATACCCAGGGAAAGAAGGTGGTTGATGCCCTGAATAACCC[G>A]TTCACATTCTTCGTCTCTGGAATGAGCCCCCCACTCTCCTTCCTGGGGTTTGTATAGCAA-3'
Protein context (NP_694984.5, residues 1139-1159): GAHSRDEECE[Arg1149Trp]VIQGINHLLS